The following is an entry in ClinVar:

ClinVar aggregate classification (germline): Pathogenic (1 of 4 stars; one submission).

Conditions:
Nemaline myopathy 2 (NEM2). Also called: Nemaline myopathy 2, autosomal recessive. Identifiers: MedGen C1850569, MONDO:0009725, OMIM 256030.

Submission:

Labcorp Genetics (formerly Invitae), Labcorp
Classification: Pathogenic for Nemaline myopathy 2. Last evaluated: 2023-06-30. Review status: criteria provided, single submitter. Criteria: Invitae Variant Classification Sherloc (09022015). Collection method: clinical testing. Allele origin: germline.
Comment: This variant occurs in a region of NEB (Exons 82-105) consisting of three highly homologous 8-exon repeat units (exons 82-89, exons 90-97, exons 98-105). Sequence variants in this region can be detected, but this assay cannot determine which of the three repeat units is affected, and zygosity is often ambiguous. All variants in this region are reported relative to the exon 82-89 repeat. This sequence change creates a premature translational stop signal (p.Glu4132*) in the NEB gene. It is expected to result in an absent or disrupted protein product. Loss-of-function variants in NEB are known to be pathogenic (PMID: 25205138). For these reasons, this variant has been classified as Pathogenic. ClinVar contains an entry for this variant (Variation ID: 1397664). This variant has not been reported in the literature in individuals affected with NEB-related conditions. The frequency data for this variant in the population databases (gnomAD) is considered unreliable due to the presence of homologous sequence, such as pseudogenes or paralogs, in the genome.

Literature cited by the submitters: PubMed 25205138.

NM_001164508.2(NEB):c.12394G>T (p.Glu4132Ter)

Gene: NEB (nebulin; minus strand). Cytogenetic location: 2q23.3.
Variant type: single nucleotide variant.
Coding change: c.12394G>T on transcript NM_001164508.2 (MANE Select); coding-DNA position 12394, G replaced by T.
Protein change: p.Glu4132Ter; replaces glutamic acid 4132 with a stop codon.
Molecular consequence: nonsense. On other transcripts: intron variant (1).
Genome position (GRCh38, 1-based): chr2:151,608,613, C>A on the plus strand (G>T on the coding strand, the complement: NEB is on the minus strand). VCF-style: chr2-151608613-C-A. GRCh37 (hg19) VCF-style: chr2-152465127-C-A.
Other names: c.12394G>T, p.Glu4132Ter (NM_001164507.2, NM_001271208.2); c.11601+1196G>T (NM_004543.5); short protein forms E4132*.
Identifiers: ClinVar variation 1397664 (VCV001397664.6), dbSNP rs2153960539, ClinGen allele CA348776096.